The following is an entry in ClinVar:

NM_005045.4(RELN):c.3040A>C (p.Ser1014Arg)

Gene: RELN (reelin; minus strand). Cytogenetic location: 7q22.1.
Variant type: single nucleotide variant.
Coding change: c.3040A>C on transcript NM_005045.4 (MANE Select); coding-DNA position 3040, A replaced by C.
Protein change: p.Ser1014Arg; replaces serine 1014 with arginine.
Molecular consequence: missense variant.
Genome position (GRCh38, 1-based): chr7:103,604,452, T>G on the plus strand (A>C on the coding strand, the complement: RELN is on the minus strand). VCF-style: chr7-103604452-T-G. GRCh37 (hg19) VCF-style: chr7-103244899-T-G.
Other names: c.3040A>C (NM_005045.3); c.3040A>C, p.Ser1014Arg (NM_173054.3); short protein forms S1014R.
Identifiers: ClinVar variation 2938256 (VCV002938256.6), dbSNP rs779851248, ClinGen allele CA4421863.

ClinVar aggregate classification (germline): Uncertain significance. Review status: criteria provided, multiple submitters, no conflicts (2 of 4 stars). 3 submissions from 3 submitters: Uncertain significance (3). Last evaluated 2025-07-06.

Conditions:
Inborn genetic diseases. Identifiers: MedGen C0950123, MeSH D030342.
Norman-Roberts syndrome (LIS2). Also called: Lissencephaly 2 (Norman-Roberts type). Identifiers: Orphanet 89844, MedGen C0796089, MONDO:0009760, OMIM 257320.
Familial temporal lobe epilepsy 7. Identifiers: Orphanet 101046, MedGen C4225327, MONDO:0014639, OMIM 616436.

Allele frequency attached by ClinVar (database versions not stated): TOPMed 0.00003; ExAC 0.00005.
gnomAD v4.1: 24 of 1,613,810 alleles (0.0015%); highest among the groups gnomAD compares: East Asian, 0.045%; no homozygotes.

Submissions (3):

Labcorp Genetics (formerly Invitae), Labcorp
Classification: Uncertain significance for Familial temporal lobe epilepsy 7; Norman-Roberts syndrome. Last evaluated: 2025-07-06. Review status: criteria provided, single submitter. Criteria: Invitae Variant Classification Sherloc (09022015). Collection method: clinical testing. Allele origin: germline.
Comment: This sequence change replaces serine, which is neutral and polar, with arginine, which is basic and polar, at codon 1014 of the RELN protein (p.Ser1014Arg). This variant is present in population databases (rs779851248, gnomAD 0.1%). This variant has not been reported in the literature in individuals affected with RELN-related conditions. ClinVar contains an entry for this variant (Variation ID: 2938256). Invitae Evidence Modeling of protein sequence and biophysical properties (such as structural, functional, and spatial information, amino acid conservation, physicochemical variation, residue mobility, and thermodynamic stability) indicates that this missense variant is not expected to disrupt RELN protein function with a negative predictive value of 80%. In summary, the available evidence is currently insufficient to determine the role of this variant in disease. Therefore, it has been classified as a Variant of Uncertain Significance.

Ambry Genetics
Classification: Uncertain significance for Inborn genetic diseases. Last evaluated: 2025-03-14. Review status: criteria provided, single submitter. Criteria: Ambry Variant Classification Scheme 2023. Collection method: clinical testing. Allele origin: germline.

Juno Genomics, Hangzhou Juno Genomics, Inc
Classification: Uncertain significance for Norman-Roberts syndrome; Familial temporal lobe epilepsy 7. Review status: criteria provided, single submitter. Criteria: ACMG Guidelines, 2015. Collection method: clinical testing. Allele origin: germline. Affected: yes.
Comment: Absent from controls (or at extremely low frequency if recessive) in Genome Aggregation Database, Exome Sequencing Project, 1000 Genomes Project, or Exome Aggregation Consortium.;Multiple lines of computational evidence suggest no impact on gene or gene product (conservation, evolutionary, splicing impact, etc).